The following is an entry in ClinVar:

NM_020975.6(RET):c.1801G>A (p.Gly601Arg)

Gene: RET (ret proto-oncogene; plus strand). Cytogenetic location: 10q11.21.
Variant type: single nucleotide variant.
Coding change: c.1801G>A on transcript NM_020975.6 (MANE Select); coding-DNA position 1801, G replaced by A.
Protein change: p.Gly601Arg; replaces glycine 601 with arginine.
Molecular consequence: missense variant.
Genome position (GRCh38, 1-based): chr10:43,113,597, G>A. VCF-style: chr10-43113597-G-A. GRCh37 (hg19) VCF-style: chr10-43609045-G-A.
Other names: c.1801G>A, p.Gly601Arg (NM_000323.2, NM_001406743.1, NM_001406744.1 and 6 more transcripts); c.1039G>A, p.Gly347Arg (NM_001355216.2); c.1672G>A, p.Gly558Arg (NM_001406761.1, NM_001406762.1, NM_001406764.1 and 1 more transcripts); c.1513G>A, p.Gly505Arg (NM_001406766.1, NM_001406767.1, NM_001406770.1); c.1405G>A, p.Gly469Arg (NM_001406769.1, NM_001406772.1); c.1363G>A, p.Gly455Arg (NM_001406771.1, NM_001406773.1); c.1276G>A, p.Gly426Arg (NM_001406774.1); c.1075G>A, p.Gly359Arg (NM_001406775.1, NM_001406776.1, NM_001406777.1 and 1 more transcripts); and 5 more; short protein forms G469R, G206R, G259R, G302R, G347R, G426R, G505R, G118R.
Identifiers: ClinVar variation 1780416 (VCV001780416.2), dbSNP rs2132828152, ClinGen allele CA376552646.

ClinVar aggregate classification (germline): Uncertain significance (1 of 4 stars; one submission).

Conditions:
Hereditary cancer-predisposing syndrome. Also called: Neoplastic Syndromes, Hereditary; Tumor predisposition; Hereditary Cancer Syndrome; Hereditary neoplastic syndrome. Identifiers: Orphanet 140162, MedGen C0027672, MeSH D009386, MONDO:0015356.

Submission:

Ambry Genetics
Classification: Uncertain significance for Hereditary cancer-predisposing syndrome. Last evaluated: 2020-07-29. Review status: criteria provided, single submitter. Criteria: Ambry Variant Classification Scheme 2023. Collection method: clinical testing. Allele origin: germline.
Comment: The p.G601R variant (also known as c.1801G>A), located in coding exon 10 of the RET gene, results from a G to A substitution at nucleotide position 1801. The glycine at codon 601 is replaced by arginine, an amino acid with dissimilar properties. This amino acid position is highly conserved in available vertebrate species. In addition, this alteration is predicted to be deleterious by in silico analysis. Since supporting evidence is limited at this time, the clinical significance of this alteration remains unclear.